The following is an entry in ClinVar:

ClinVar aggregate classification (germline): Uncertain significance (1 of 4 stars; one submission).

Conditions:
Cardiovascular phenotype. Identifiers: MedGen CN230736.
Hereditary cancer-predisposing syndrome. Also called: Hereditary Cancer Syndrome; Hereditary neoplastic syndrome; Neoplastic Syndromes, Hereditary; Tumor predisposition. Identifiers: Orphanet 140162, MedGen C0027672, MeSH D009386, MONDO:0015356.

Submission:

Ambry Genetics
Classification: Uncertain significance for Cardiovascular phenotype; Hereditary cancer-predisposing syndrome. Last evaluated: 2021-06-22. Review status: criteria provided, single submitter. Criteria: Ambry Variant Classification Scheme 2023. Collection method: clinical testing. Allele origin: germline.
Comment: The p.G502C variant (also known as c.1504G>T), located in coding exon 14 of the LZTR1 gene, results from a G to T substitution at nucleotide position 1504. The glycine at codon 502 is replaced by cysteine, an amino acid with highly dissimilar properties. This amino acid position is not well conserved in available vertebrate species. In addition, this alteration is predicted to be tolerated by in silico analysis. Since supporting evidence is limited at this time, the clinical significance of this alteration remains unclear.

NM_006767.4(LZTR1):c.1504G>T (p.Gly502Cys)

Gene: LZTR1 (leucine zipper like post translational regulator 1; plus strand). Cytogenetic location: 22q11.21.
Variant type: single nucleotide variant.
Coding change: c.1504G>T on transcript NM_006767.4 (MANE Select); coding-DNA position 1504, G replaced by T.
Protein change: p.Gly502Cys; replaces glycine 502 with cysteine.
Molecular consequence: missense variant.
Genome position (GRCh38, 1-based): chr22:20,994,158, G>T. VCF-style: chr22-20994158-G-T. GRCh37 (hg19) VCF-style: chr22-21348447-G-T.
Other names: short protein forms G502C.
Identifiers: ClinVar variation 1774065 (VCV001774065.2), dbSNP rs2518620847, ClinGen allele CA410775666.